The following is an entry in ClinVar:

ClinVar aggregate classification (germline): Uncertain significance (1 of 4 stars; one submission).

Conditions:
Periodic fever-infantile enterocolitis-autoinflammatory syndrome. Also called: Autoinflammation with infantile enterocolitis. Identifiers: Orphanet 436166, MedGen C4015067, MONDO:0014472, OMIM 616050.
Familial cold autoinflammatory syndrome 4 (FCAS4). Identifiers: Orphanet 47045, Orphanet 576349, MedGen C4015276, MONDO:0014498, OMIM 616115.

Allele frequency attached by ClinVar (database versions not stated): gnomAD exomes below 0.00001; TOPMed below 0.00001.

Submission:

Labcorp Genetics (formerly Invitae), Labcorp
Classification: Uncertain significance for Periodic fever-infantile enterocolitis-autoinflammatory syndrome; Familial cold autoinflammatory syndrome 4. Last evaluated: 2022-03-01. Review status: criteria provided, single submitter. Criteria: Invitae Variant Classification Sherloc (09022015). Collection method: clinical testing. Allele origin: germline.
Comment: In summary, the available evidence is currently insufficient to determine the role of this variant in disease. Therefore, it has been classified as a Variant of Uncertain Significance. Algorithms developed to predict the effect of missense changes on protein structure and function (SIFT, PolyPhen-2, Align-GVGD) all suggest that this variant is likely to be disruptive. This variant has not been reported in the literature in individuals affected with NLRC4-related conditions. This variant is not present in population databases (gnomAD no frequency). This sequence change replaces serine, which is neutral and polar, with asparagine, which is neutral and polar, at codon 456 of the NLRC4 protein (p.Ser456Asn).

NM_001199138.2(NLRC4):c.1367G>A (p.Ser456Asn)

Gene: NLRC4 (NLR family CARD domain containing 4; minus strand). Cytogenetic location: 2p22.3.
Variant type: single nucleotide variant.
Coding change: c.1367G>A on transcript NM_001199138.2 (MANE Select); coding-DNA position 1367, G replaced by A.
Protein change: p.Ser456Asn; replaces serine 456 with asparagine.
Molecular consequence: missense variant. On other transcripts: intron variant (1).
Genome position (GRCh38, 1-based): chr2:32,250,497, C>T on the plus strand (G>A on the coding strand, the complement: NLRC4 is on the minus strand). VCF-style: chr2-32250497-C-T. GRCh37 (hg19) VCF-style: chr2-32475566-C-T.
Other names: c.1367G>A, p.Ser456Asn (NM_001199139.2, NM_021209.5); c.262+1922G>A (NM_001302504.1); short protein forms S456N.
Identifiers: ClinVar variation 1975464 (VCV001975464.5), dbSNP rs1687047445, ClinGen allele CA346512619.
Genomic context (GRCh38, chr2:32,250,497, plus strand): 5'-TTCTGCAAGTAACCATTCCCCTTGGTCACCTCCTCTGGCTCATGAGACGTCAATAAACTG[C>T]TGAGTCTTCGTCCTGCTGTGTACTCCTGGAATGACTTGTGAAAGAATTTATACTTTGGCT-3'
Protein context (NP_001186067.1, residues 446-466): FQEYTAGRRL[Ser456Asn]SLLTSHEPEE